The following is an entry in ClinVar:

NM_001042432.2(CLN3):c.631C>T (p.Gln211Ter)

Gene: CLN3 (CLN3 lysosomal/endosomal transmembrane protein, battenin; minus strand). Cytogenetic location: 16p12.1.
Variant type: single nucleotide variant.
Coding change: c.631C>T on transcript NM_001042432.2 (MANE Select); coding-DNA position 631, C replaced by T.
Protein change: p.Gln211Ter; replaces glutamine 211 with a stop codon.
Molecular consequence: nonsense.
Genome position (GRCh38, 1-based): chr16:28,486,393, G>A on the plus strand (C>T on the coding strand, the complement: CLN3 is on the minus strand). VCF-style: chr16-28486393-G-A. GRCh37 (hg19) VCF-style: chr16-28497714-G-A.
Other names: c.631C>T, p.Gln211Ter (NM_000086.2); c.559C>T, p.Gln187Ter (NM_001286104.2); c.331C>T, p.Gln111Ter (NM_001286105.2); c.397C>T, p.Gln133Ter (NM_001286109.2); c.469C>T, p.Gln157Ter (NM_001286110.2); short protein forms Q211*, Q111*, Q157*, Q187*, Q133*.
Identifiers: ClinVar variation 56288 (VCV000056288.13), dbSNP rs386833737, ClinGen allele CA263724.
Genomic context (GRCh38, chr16:28,486,393, plus strand): 5'-TCAGGGCAGCTCACCTGGCCAGCAGCAGGGCAGGGATACCCAGCATGGACAGCAGGGTCT[G>A]CTGAGGGGAGAGGCCGGCCTGGGTGAGGCCCAGGTAGGACAGGGCCCCCAGCAGCCCAGC-3'

ClinVar aggregate classification (germline): Pathogenic. Review status: criteria provided, multiple submitters, no conflicts (2 of 4 stars). 4 submissions from 4 submitters: Pathogenic (3). 1 of the submissions does not count toward it. Last evaluated 2024-04-13.

Conditions:
Neuronal ceroid lipofuscinosis. Also called: Neuronal Ceroid Lipofuscinoses. Identifiers: Orphanet 216, Orphanet 79263, MedGen C0027877, MONDO:0016295. Disease mechanism: loss of function.
Neuronal ceroid lipofuscinosis 3 (CLN3). Identifiers: Orphanet 228346, MedGen C0751383, MONDO:0008767, OMIM 204200.

Allele frequency attached by ClinVar (database versions not stated): gnomAD exomes below 0.00001; ExAC 0.00001.

Submissions (4):

Labcorp Genetics (formerly Invitae), Labcorp
Classification: Pathogenic for Neuronal ceroid lipofuscinosis. Last evaluated: 2024-04-13. Review status: criteria provided, single submitter. Criteria: Invitae Variant Classification Sherloc (09022015). Collection method: clinical testing. Allele origin: germline.
Comment: This sequence change creates a premature translational stop signal (p.Gln211*) in the CLN3 gene. It is expected to result in an absent or disrupted protein product. Loss-of-function variants in CLN3 are known to be pathogenic (PMID: 9311735, 28542676). The frequency data for this variant in the population databases is considered unreliable, as metrics indicate poor data quality at this position in the gnomAD database. This premature translational stop signal has been observed in individual(s) with clinical features of neuronal ceroid lipofuscinosis (PMID: 22013180). ClinVar contains an entry for this variant (Variation ID: 56288). For these reasons, this variant has been classified as Pathogenic.

Baylor Genetics
Classification: Pathogenic for Neuronal ceroid lipofuscinosis 3. Last evaluated: 2023-06-22. Review status: criteria provided, single submitter. Criteria: ACMG Guidelines, 2015. Collection method: clinical testing. Allele origin: unknown.

Women's Health and Genetics/Laboratory Corporation of America, LabCorp
Classification: Pathogenic for Neuronal ceroid lipofuscinosis. Last evaluated: 2021-04-20. Review status: criteria provided, single submitter. Criteria: LabCorp Variant Classification Summary - May 2015. Collection method: clinical testing. Allele origin: germline.
Comment: Variant summary: CLN3 c.631C>T (p.Gln211X) results in a premature termination codon, predicted to cause a truncation of the encoded protein or absence of the protein due to nonsense mediated decay, which are commonly known mechanisms for disease. Truncations downstream of this position have been classified as pathogenic by our laboratory. The variant allele was found at a frequency of 4e-06 in 248576 control chromosomes. c.631C>T has been reported in the literature in individuals affected with Juvenile Neuronal Ceroid-Lipofuscinosis (Juvenile Batten Disease; e.g. Munroe_1997, Kwon_2011). These data indicate that the variant may be associated with disease. To our knowledge, no experimental evidence demonstrating an impact on protein function has been reported. One other clinical diagnostic laboratory has submitted clinical-significance assessments for this variant to ClinVar after 2014 without evidence for independent evaluation, citing the variant as pathogenic. Based on the evidence outlined above, the variant was classified as pathogenic.

Juha Muilu Group; Institute for Molecular Medicine Finland (FIMM)
Classification: Likely pathogenic for Juvenile neuronal ceroid lipofuscinosis. Review status: no assertion criteria provided. Collection method: not provided. Allele origin: unknown. Not counted in ClinVar's aggregate classification.
Comment: FinDis database variant: This variant was not found or characterized by our laboratory, data were collected from public sources: see reference
ClinVar note: Converted during submission from probable-pathogenic to Likely pathogenic.

Literature cited by the submitters: PubMed 9311735 (cited by Labcorp Genetics (formerly Invitae), Labcorp and Women's Health and Genetics/Laboratory Corporation of America, LabCorp); PubMed 28542676 (cited by Labcorp Genetics (formerly Invitae), Labcorp); PubMed 22013180 (cited by Labcorp Genetics (formerly Invitae), Labcorp and Women's Health and Genetics/Laboratory Corporation of America, LabCorp); PubMed 33507216 (cited by Women's Health and Genetics/Laboratory Corporation of America, LabCorp).